The following is an entry in ClinVar:

ClinVar aggregate classification (germline): Uncertain significance (1 of 4 stars; one submission).

gnomAD v4.1: 2 of 1,614,204 alleles (0.00012%); no homozygotes.

Submission:

Labcorp Genetics (formerly Invitae), Labcorp
Classification: Uncertain significance. Last evaluated: 2022-03-17. Review status: criteria provided, single submitter. Criteria: Invitae Variant Classification Sherloc (09022015). Collection method: clinical testing. Allele origin: germline.
Comment: This sequence change replaces serine, which is neutral and polar, with phenylalanine, which is neutral and non-polar, at codon 854 of the KCNH1 protein (p.Ser854Phe). This variant is not present in population databases (gnomAD no frequency). This variant has not been reported in the literature in individuals affected with KCNH1-related conditions. Advanced modeling of protein sequence and biophysical properties (such as structural, functional, and spatial information, amino acid conservation, physicochemical variation, residue mobility, and thermodynamic stability) performed at Invitae indicates that this missense variant is not expected to disrupt KCNH1 protein function. In summary, the available evidence is currently insufficient to determine the role of this variant in disease. Therefore, it has been classified as a Variant of Uncertain Significance.

NM_172362.3(KCNH1):c.2561C>T (p.Ser854Phe)

Gene: KCNH1 (potassium voltage-gated channel subfamily H member 1; minus strand). Cytogenetic location: 1q32.2.
Variant type: single nucleotide variant.
Coding change: c.2561C>T on transcript NM_172362.3 (MANE Select); coding-DNA position 2561, C replaced by T.
Protein change: p.Ser854Phe; replaces serine 854 with phenylalanine.
Molecular consequence: missense variant.
Genome position (GRCh38, 1-based): chr1:210,683,690, G>A on the plus strand (C>T on the coding strand, the complement: KCNH1 is on the minus strand). VCF-style: chr1-210683690-G-A. GRCh37 (hg19) VCF-style: chr1-210857032-G-A.
Other names: c.2480C>T, p.Ser827Phe (NM_002238.4); short protein forms S827F, S854F.
Identifiers: ClinVar variation 2099967 (VCV002099967.4), dbSNP rs2546369683, ClinGen allele CA344870916.